The following is an entry in ClinVar:

NM_001376.5(DYNC1H1):c.4175G>T (p.Gly1392Val)

Gene: DYNC1H1 (dynein cytoplasmic 1 heavy chain 1; plus strand). Cytogenetic location: 14q32.31.
Variant type: single nucleotide variant.
Coding change: c.4175G>T on transcript NM_001376.5 (MANE Select); coding-DNA position 4175, G replaced by T.
Protein change: p.Gly1392Val; replaces glycine 1392 with valine.
Molecular consequence: missense variant.
Genome position (GRCh38, 1-based): chr14:102,001,054, G>T. VCF-style: chr14-102001054-G-T. GRCh37 (hg19) VCF-style: chr14-102467391-G-T.
Other names: short protein forms G1392V.
Identifiers: ClinVar variation 4808164 (VCV004808164.1).

ClinVar aggregate classification (germline): Uncertain significance (1 of 4 stars; one submission).

Conditions:
Charcot-Marie-Tooth disease axonal type 2O. Also called: CHARCOT-MARIE-TOOTH NEUROPATHY, AXONAL, TYPE 2O; CHARCOT-MARIE-TOOTH DISEASE, AXONAL, AUTOSOMAL DOMINANT, TYPE 2O; Charcot-Marie-Tooth Neuropathy Type 2O; Charcot-Marie-Tooth disease, axonal, type 20. Identifiers: Orphanet 284232, MedGen C3280220, MONDO:0013644, OMIM 614228.

Submission:

Labcorp Genetics (formerly Invitae), Labcorp
Classification: Uncertain significance for Charcot-Marie-Tooth disease axonal type 2O. Last evaluated: 2025-08-29. Review status: criteria provided, single submitter. Criteria: Invitae Variant Classification Sherloc (09022015). Collection method: clinical testing. Allele origin: germline.
Comment: This sequence change replaces glycine, which is neutral and non-polar, with valine, which is neutral and non-polar, at codon 1392 of the DYNC1H1 protein (p.Gly1392Val). This variant is not present in population databases (gnomAD no frequency). This variant has not been reported in the literature in individuals affected with DYNC1H1-related conditions. Invitae Evidence Modeling of protein sequence and biophysical properties (such as structural, functional, and spatial information, amino acid conservation, physicochemical variation, residue mobility, and thermodynamic stability) has been performed for this missense variant. However, the output from this modeling did not meet the statistical confidence thresholds required to predict the impact of this variant on DYNC1H1 protein function. In summary, the available evidence is currently insufficient to determine the role of this variant in disease. Therefore, it has been classified as a Variant of Uncertain Significance.